The following is an entry in ClinVar:

ClinVar aggregate classification (germline): Likely benign (1 of 4 stars; one submission).

gnomAD v4.1: 22 of 1,612,902 alleles (0.0014%); highest among the groups gnomAD compares: Non-Finnish European, 0.0017%; no homozygotes.

Submission:

CeGaT Center for Human Genetics Tuebingen
Classification: Likely benign. Last evaluated: 2026-02-01. Review status: criteria provided, single submitter. Criteria: CeGaT Center For Human Genetics Tuebingen Variant Classification Criteria Version 2. Collection method: clinical testing. Allele origin: germline. Affected: yes. Observed: 1 variant allele.
Comment: MLPH: BP4

NM_024101.7(MLPH):c.1248C>A (p.Asn416Lys)

Gene: MLPH (melanophilin; plus strand). Cytogenetic location: 2q37.3.
Variant type: single nucleotide variant.
Coding change: c.1248C>A on transcript NM_024101.7 (MANE Select); coding-DNA position 1248, C replaced by A.
Protein change: p.Asn416Lys; replaces asparagine 416 with lysine.
Molecular consequence: missense variant. On other transcripts: non-coding transcript variant (1).
Genome position (GRCh38, 1-based): chr2:237,540,491, C>A. VCF-style: chr2-237540491-C-A. GRCh37 (hg19) VCF-style: chr2-238449134-C-A.
Other names: c.1164C>A, p.Asn388Lys (NM_001042467.3); c.1044C>A, p.Asn348Lys (NM_001281473.2); c.819C>A, p.Asn273Lys (NM_001281474.2); short protein forms N273K, N348K, N388K, N416K.
Identifiers: ClinVar variation 4821806 (VCV004821806.4).